The following is an entry in ClinVar:

ClinVar aggregate classification (germline): Uncertain significance. Review status: criteria provided, multiple submitters, no conflicts (2 of 4 stars). 6 submissions from 6 submitters: Uncertain significance (5). 1 of the submissions does not count toward it. Last evaluated 2025-11-13.

Conditions:
ABCG8-related disorder. Also called: ABCG8-related condition.
Sitosterolemia 1. Identifiers: MedGen C2749759, MONDO:0020747, OMIM 210250.
Cardiovascular phenotype. Identifiers: MedGen CN230736.

Allele frequency attached by ClinVar (database versions not stated): ExAC 0.00005; gnomAD exomes 0.00005 and 0.00008; gnomAD 0.00011 and 0.00013; ESP Exome Variant Server 0.00015; TOPMed 0.00015.

Submissions (6):

Ambry Genetics
Classification: Uncertain significance for Cardiovascular phenotype. Last evaluated: 2025-11-13. Review status: criteria provided, single submitter. Criteria: Ambry Variant Classification Scheme 2023. Collection method: clinical testing. Allele origin: germline.

Blueprint Genetics
Classification: Uncertain significance. Last evaluated: 2024-10-14. Review status: criteria provided, single submitter. Criteria: ACMG Guidelines, 2015. Collection method: clinical testing. Allele origin: germline.

Women's Health and Genetics/Laboratory Corporation of America, LabCorp
Classification: Uncertain significance. Last evaluated: 2023-08-06. Review status: criteria provided, single submitter. Criteria: LabCorp Variant Classification Summary - May 2015. Collection method: clinical testing. Allele origin: germline.

Labcorp Genetics (formerly Invitae), Labcorp
Classification: Uncertain significance. Last evaluated: 2023-07-07. Review status: criteria provided, single submitter. Criteria: Invitae Variant Classification Sherloc (09022015). Collection method: clinical testing. Allele origin: germline.
Comment: Advanced modeling of protein sequence and biophysical properties (such as structural, functional, and spatial information, amino acid conservation, physicochemical variation, residue mobility, and thermodynamic stability) performed at Invitae indicates that this missense variant is not expected to disrupt ABCG8 protein function. In summary, the available evidence is currently insufficient to determine the role of this variant in disease. Therefore, it has been classified as a Variant of Uncertain Significance. ClinVar contains an entry for this variant (Variation ID: 336067). This variant has not been reported in the literature in individuals affected with ABCG8-related conditions. This variant is present in population databases (rs372921526, gnomAD 0.02%). This sequence change replaces serine, which is neutral and polar, with asparagine, which is neutral and polar, at codon 92 of the ABCG8 protein (p.Ser92Asn).

Illumina Laboratory Services, Illumina
Classification: Uncertain significance for Sitosterolemia 1. Last evaluated: 2018-01-12. Review status: criteria provided, single submitter. Criteria: ICSL Variant Classification Criteria 13 December 2019. Collection method: clinical testing. Allele origin: germline.

PreventionGenetics, part of Exact Sciences
Classification: Uncertain significance for ABCG8-related condition. Last evaluated: 2024-05-21. Review status: no assertion criteria provided. Collection method: clinical testing. Allele origin: germline. Not counted in ClinVar's aggregate classification.
Comment: The ABCG8 c.275G>A variant is predicted to result in the amino acid substitution p.Ser92Asn. To our knowledge, this variant has not been reported in the literature. This variant is reported in 0.019% of alleles in individuals of Ashkenazi Jewish descent in gnomAD. At this time, the clinical significance of this variant is uncertain due to the absence of conclusive functional and genetic evidence.

NM_022437.3(ABCG8):c.275G>A (p.Ser92Asn)

Gene: ABCG8 (ATP binding cassette subfamily G member 8; plus strand). Cytogenetic location: 2p21.
Variant type: single nucleotide variant.
Coding change: c.275G>A on transcript NM_022437.3 (MANE Select); coding-DNA position 275, G replaced by A.
Protein change: p.Ser92Asn; replaces serine 92 with asparagine.
Molecular consequence: missense variant.
Genome position (GRCh38, 1-based): chr2:43,846,264, G>A. VCF-style: chr2-43846264-G-A. GRCh37 (hg19) VCF-style: chr2-44073403-G-A.
Other names: c.275G>A, p.Ser92Asn (NM_001357321.2); short protein forms S92N.
Identifiers: ClinVar variation 336067 (VCV000336067.19), dbSNP rs372921526, ClinGen allele CA1636954.
Genomic context (GRCh38, chr2:43,846,264, plus strand): 5'-AGATGCCCTGGACATCTCCCAGCTGCCAGAATTCTTGTGAGCTGGGCATCCAGAACCTAA[G>A]CTTCAAAGTGAGAAGTGGGCAGATGCTGGCCATCATAGGGAGCTCAGGTACCGGAAAGGC-3'
Protein context (NP_071882.1, residues 82-102): NSCELGIQNL[Ser92Asn]FKVRSGQMLA